The following is an entry in ClinVar:

NM_001297.5(CNGB1):c.1802-3C>T

Gene: CNGB1 (cyclic nucleotide gated channel subunit beta 1; minus strand). Cytogenetic location: 16q21.
Variant type: single nucleotide variant.
Coding change: c.1802-3C>T on transcript NM_001297.5 (MANE Select); 3 bases into the intron before coding-DNA position 1802, C replaced by T.
Molecular consequence: intron variant.
Genome position (GRCh38, 1-based): chr16:57,919,257, G>A on the plus strand (C>T on the coding strand, the complement: CNGB1 is on the minus strand). VCF-style: chr16-57919257-G-A. GRCh37 (hg19) VCF-style: chr16-57953161-G-A.
Other names: c.1784-3C>T (NM_001286130.2).
Identifiers: ClinVar variation 1367099 (VCV001367099.4), dbSNP rs1184796173, ClinGen allele CA622687653.
Genomic context (GRCh38, chr16:57,919,257, plus strand): 5'-GGCTCGGCTTCAGCGGGCTTTGTGTCTGGAGCTGGCTCTGGGGCTTTCTTGGCTGGGGCT[G>A]TGGGATGACATTGGTGACCATCTGAACCAGCCCTGAGGCCCAGGTAGAGGATGCAGAGAG-3'

ClinVar aggregate classification (germline): Uncertain significance (1 of 4 stars; one submission).

Allele frequency attached by ClinVar (database versions not stated): gnomAD exomes 0.00002 and 0.00005; TOPMed 0.00002; gnomAD 0.00003.
gnomAD v4.1: 79 of 1,614,054 alleles (0.0049%); highest among the groups gnomAD compares: Non-Finnish European, 0.0065%; no homozygotes.

Submission:

Labcorp Genetics (formerly Invitae), Labcorp
Classification: Uncertain significance. Last evaluated: 2024-12-23. Review status: criteria provided, single submitter. Criteria: Invitae Variant Classification Sherloc (09022015). Collection method: clinical testing. Allele origin: germline.
Comment: This sequence change falls in intron 19 of the CNGB1 gene. It does not directly change the encoded amino acid sequence of the CNGB1 protein. It affects a nucleotide within the consensus splice site. This variant is present in population databases (no rsID available, gnomAD 0.005%). This variant has not been reported in the literature in individuals affected with CNGB1-related conditions. ClinVar contains an entry for this variant (Variation ID: 1367099). Variants that disrupt the consensus splice site are a relatively common cause of aberrant splicing (PMID: 17576681, 9536098). Algorithms developed to predict the effect of sequence changes on RNA splicing suggest that this variant is not likely to affect RNA splicing. In summary, the available evidence is currently insufficient to determine the role of this variant in disease. Therefore, it has been classified as a Variant of Uncertain Significance.

Literature cited by the submitters: PubMed 17576681; PubMed 9536098.